The following is an entry in ClinVar:

ClinVar aggregate classification (germline): Uncertain significance (1 of 4 stars; one submission).

Conditions:
Cardiovascular phenotype. Identifiers: MedGen CN230736.

Allele frequency attached by ClinVar (database versions not stated): gnomAD exomes below 0.00001.
gnomAD v4.1: 1 of 1,613,188 alleles (0.000062%); highest among the groups gnomAD compares: South Asian, 0.0011%; no homozygotes.

Submission:

Ambry Genetics
Classification: Uncertain significance for Cardiovascular phenotype. Last evaluated: 2023-04-14. Review status: criteria provided, single submitter. Criteria: Ambry Variant Classification Scheme 2023. Collection method: clinical testing. Allele origin: germline.
Comment: The p.R84L variant (also known as c.251G>T), located in coding exon 1 of the FLNC gene, results from a G to T substitution at nucleotide position 251. The arginine at codon 84 is replaced by leucine, an amino acid with dissimilar properties. This amino acid position is conserved. In addition, the in silico prediction for this alteration is inconclusive. Since supporting evidence is limited at this time, the clinical significance of this alteration remains unclear.

NM_001458.5(FLNC):c.251G>T (p.Arg84Leu)

Gene: FLNC (filamin C; plus strand). Cytogenetic location: 7q32.1.
Variant type: single nucleotide variant.
Coding change: c.251G>T on transcript NM_001458.5 (MANE Select); coding-DNA position 251, G replaced by T.
Protein change: p.Arg84Leu; replaces arginine 84 with leucine.
Molecular consequence: missense variant.
Genome position (GRCh38, 1-based): chr7:128,830,888, G>T. VCF-style: chr7-128830888-G-T. GRCh37 (hg19) VCF-style: chr7-128470942-G-T.
Other names: c.251G>T, p.Arg84Leu (NM_001127487.2); short protein forms R84L.
Identifiers: ClinVar variation 2565516 (VCV002565516.2), dbSNP rs1390511918, ClinGen allele CA369216623.